The following is an entry in ClinVar:

ClinVar aggregate classification (germline): Uncertain significance (1 of 4 stars; one submission).

Conditions:
Epilepsy, familial adult myoclonic, 5 (EPEO5). Also called: CORTICAL MYOCLONIC TREMOR WITH EPILEPSY, FAMILIAL, 5. Identifiers: Orphanet 86814, MedGen C3809374, MONDO:0014167, OMIM 615400.

Allele frequency attached by ClinVar (database versions not stated): gnomAD exomes 0.00001; ExAC 0.00002.
gnomAD v4.1: 14 of 1,613,972 alleles (0.00087%); highest among the groups gnomAD compares: South Asian, 0.015%; 1 homozygote.

Submission:

Labcorp Genetics (formerly Invitae), Labcorp
Classification: Uncertain significance for Epilepsy, familial adult myoclonic, 5. Last evaluated: 2022-02-24. Review status: criteria provided, single submitter. Criteria: Invitae Variant Classification Sherloc (09022015). Collection method: clinical testing. Allele origin: germline.
Comment: This sequence change replaces leucine, which is neutral and non-polar, with valine, which is neutral and non-polar, at codon 29 of the CNTN2 protein (p.Leu29Val). This variant is present in population databases (rs756920444, gnomAD 0.03%). This variant has not been reported in the literature in individuals affected with CNTN2-related conditions. Advanced modeling of protein sequence and biophysical properties (such as structural, functional, and spatial information, amino acid conservation, physicochemical variation, residue mobility, and thermodynamic stability) performed at Invitae indicates that this missense variant is not expected to disrupt CNTN2 protein function. In summary, the available evidence is currently insufficient to determine the role of this variant in disease. Therefore, it has been classified as a Variant of Uncertain Significance.

NM_005076.5(CNTN2):c.85C>G (p.Leu29Val)

Gene: CNTN2 (contactin 2; plus strand). Cytogenetic location: 1q32.1.
Variant type: single nucleotide variant.
Coding change: c.85C>G on transcript NM_005076.5 (MANE Select); coding-DNA position 85, C replaced by G.
Protein change: p.Leu29Val; replaces leucine 29 with valine.
Molecular consequence: missense variant. On other transcripts: non-coding transcript variant (1).
Genome position (GRCh38, 1-based): chr1:205,057,935, C>G. VCF-style: chr1-205057935-C-G. GRCh37 (hg19) VCF-style: chr1-205027063-C-G.
Other names: c.85C>G, p.Leu29Val (NM_001346083.2); short protein forms L29V.
Identifiers: ClinVar variation 1899799 (VCV001899799.2), dbSNP rs756920444, ClinGen allele CA1350926.
Genomic context (GRCh38, chr1:205,057,935, plus strand): 5'-AGCCAGGCCAAGGCTCTGAGGCATCTGGTGGTGTCATCACCTGCAGCTTGGAGTTCAGCC[C>G]TGGGATCCCAAACCACCTTCGGGCCTGTCTTTGAAGACCAGCCCCTCAGTGTGCTATTCC-3'
Protein context (NP_005067.1, residues 19-39): LVSSSAWSSA[Leu29Val]GSQTTFGPVF